The following is an entry in ClinVar:

NM_000135.4(FANCA):c.726T>C (p.Phe242=)

Gene: FANCA (FA complementation group A; minus strand). Cytogenetic location: 16q24.3.
Variant type: single nucleotide variant.
Coding change: c.726T>C on transcript NM_000135.4 (MANE Select); coding-DNA position 726, T replaced by C.
Protein change: p.Phe242=; no amino-acid change (phenylalanine 242 retained).
Molecular consequence: synonymous variant.
Genome position (GRCh38, 1-based): chr16:89,803,325, A>G on the plus strand (T>C on the coding strand, the complement: FANCA is on the minus strand). VCF-style: chr16-89803325-A-G. GRCh37 (hg19) VCF-style: chr16-89869733-A-G.
Other names: c.726T>C, p.Phe242= (NM_001018112.3, NM_001286167.3); c.630T>C, p.Phe210= (NM_001351830.2).
Identifiers: ClinVar variation 4022164 (VCV004022164.2).

ClinVar aggregate classification (germline): Likely benign. Review status: criteria provided, multiple submitters, no conflicts (2 of 4 stars). 2 submissions from 2 submitters: Likely benign (2). Last evaluated 2026-05-14.

Conditions:
Inborn genetic diseases. Identifiers: MedGen C0950123, MeSH D030342.
FANCA-related disorder. Also called: FANCA-related condition.

Submissions (2):

PreventionGenetics, part of Exact Sciences
Classification: Likely benign for FANCA-related condition. Last evaluated: 2026-05-14. Review status: criteria provided, single submitter. Criteria: ACMG Guidelines, 2015. Collection method: clinical testing. Allele origin: germline.
Comment: This variant is classified as likely benign based on ACMG/AMP sequence variant interpretation guidelines (Richards et al. 2015 PMID: 25741868, with internal and published modifications).

Ambry Genetics
Classification: Likely benign for Inborn genetic diseases. Last evaluated: 2025-04-06. Review status: criteria provided, single submitter. Criteria: Ambry Variant Classification Scheme 2023. Collection method: clinical testing. Allele origin: germline.